The following is an entry in ClinVar:

ClinVar aggregate classification (germline): Uncertain significance (1 of 4 stars; one submission).

Conditions:
KSR2-related disorder. Also called: KSR2-related condition.

Submission:

PreventionGenetics, part of Exact Sciences
Classification: Uncertain significance for KSR2-related condition. Last evaluated: 2025-10-30. Review status: criteria provided, single submitter. Criteria: ACMG Guidelines, 2015. Collection method: clinical testing. Allele origin: germline.
Comment: The KSR2 c.609C>G variant is predicted to result in premature protein termination (p.Tyr203*). To our knowledge, this variant has not been reported in the literature or in a large population database (gnomAD), indicating this variant is rare. Protein truncating variants in KSR2 gene have been identified in individuals with severe early-onset obesity (Pearce et al. 2013. PubMed ID: 24209692). Although we suspect that this variant may be pathogenic, at this time, the clinical significance of this variant is uncertain due to the absence of conclusive functional and genetic evidence.

NM_173598.6(KSR2):c.696C>G (p.Tyr232Ter)

Gene: KSR2 (kinase suppressor of ras 2; minus strand). Cytogenetic location: 12q24.23.
Variant type: single nucleotide variant.
Coding change: c.696C>G on transcript NM_173598.6 (MANE Select); coding-DNA position 696, C replaced by G.
Protein change: p.Tyr232Ter; replaces tyrosine 232 with a stop codon.
Molecular consequence: nonsense.
Genome position (GRCh38, 1-based): chr12:117,761,301, G>C on the plus strand (C>G on the coding strand, the complement: KSR2 is on the minus strand). VCF-style: chr12-117761301-G-C. GRCh37 (hg19) VCF-style: chr12-118199106-G-C.
Other names: short protein forms Y232*.
Identifiers: ClinVar variation 4994138 (VCV004994138.1).